The following is an entry in ClinVar:

NM_001136191.3(KANK2):c.122G>A (p.Arg41His)

Gene: KANK2 (KN motif and ankyrin repeat domains 2; minus strand). Cytogenetic location: 19p13.2.
Variant type: single nucleotide variant.
Coding change: c.122G>A on transcript NM_001136191.3 (MANE Select); coding-DNA position 122, G replaced by A.
Protein change: p.Arg41His; replaces arginine 41 with histidine.
Molecular consequence: missense variant.
Genome position (GRCh38, 1-based): chr19:11,193,958, C>T on the plus strand (G>A on the coding strand, the complement: KANK2 is on the minus strand). VCF-style: chr19-11193958-C-T. GRCh37 (hg19) VCF-style: chr19-11304634-C-T.
Other names: c.122G>A, p.Arg41His (NM_001329451.2, NM_001379548.1, NM_001379549.1 and 15 more transcripts); short protein forms R41H.
Identifiers: ClinVar variation 4694582 (VCV004694582.1).

ClinVar aggregate classification (germline): Uncertain significance (1 of 4 stars; one submission).

gnomAD v4.1: 10 of 1,613,870 alleles (0.00062%); highest among the groups gnomAD compares: South Asian, 0.0044%; no homozygotes.

Submission:

Labcorp Genetics (formerly Invitae), Labcorp
Classification: Uncertain significance. Last evaluated: 2025-06-12. Review status: criteria provided, single submitter. Criteria: Invitae Variant Classification Sherloc (09022015). Collection method: clinical testing. Allele origin: germline.
Comment: This sequence change replaces arginine, which is basic and polar, with histidine, which is basic and polar, at codon 41 of the KANK2 protein (p.Arg41His). This variant is present in population databases (rs766119952, gnomAD 0.008%). This variant has not been reported in the literature in individuals affected with KANK2-related conditions. An algorithm developed to predict the effect of missense changes on protein structure and function (PolyPhen-2) suggests that this variant is likely to be tolerated. In summary, the available evidence is currently insufficient to determine the role of this variant in disease. Therefore, it has been classified as a Variant of Uncertain Significance.